The following is an entry in ClinVar:

ClinVar aggregate classification (germline): Uncertain significance (1 of 4 stars; one submission).

Conditions:
Hereditary spastic paraplegia 50 (SPG50). Also called: Spastic paraplegia 50, autosomal recessive. Identifiers: Orphanet 280763, MedGen C2752008, MONDO:0013048, OMIM 612936.

Allele frequency attached by ClinVar (database versions not stated): ExAC 0.00003; TOPMed 0.00021; gnomAD 0.00024.
gnomAD v4.1: 62 of 1,613,756 alleles (0.0038%); highest among the groups gnomAD compares: Admixed American, 0.092%; no homozygotes.

Submission:

Labcorp Genetics (formerly Invitae), Labcorp
Classification: Uncertain significance for Hereditary spastic paraplegia 50. Last evaluated: 2022-05-29. Review status: criteria provided, single submitter. Criteria: Invitae Variant Classification Sherloc (09022015). Collection method: clinical testing. Allele origin: germline.
Comment: This sequence change replaces aspartic acid, which is acidic and polar, with glutamic acid, which is acidic and polar, at codon 114 of the AP4M1 protein (p.Asp114Glu). This variant is present in population databases (rs746108622, gnomAD 0.05%). This variant has not been reported in the literature in individuals affected with AP4M1-related conditions. Algorithms developed to predict the effect of missense changes on protein structure and function (SIFT, PolyPhen-2, Align-GVGD) all suggest that this variant is likely to be disruptive. In summary, the available evidence is currently insufficient to determine the role of this variant in disease. Therefore, it has been classified as a Variant of Uncertain Significance.

NM_004722.4(AP4M1):c.342T>G (p.Asp114Glu)

Gene: AP4M1 (adaptor related protein complex 4 subunit mu 1; plus strand). Cytogenetic location: 7q22.1.
Variant type: single nucleotide variant.
Coding change: c.342T>G on transcript NM_004722.4 (MANE Select); coding-DNA position 342, T replaced by G.
Protein change: p.Asp114Glu; replaces aspartic acid 114 with glutamic acid.
Molecular consequence: missense variant.
Genome position (GRCh38, 1-based): chr7:100,102,951, T>G. VCF-style: chr7-100102951-T-G. GRCh37 (hg19) VCF-style: chr7-99700574-T-G.
Other names: c.363T>G, p.Asp121Glu (NM_001363671.2); short protein forms D121E, D114E.
Identifiers: ClinVar variation 1957391 (VCV001957391.2), dbSNP rs746108622, ClinGen allele CA4374568.
Genomic context (GRCh38, chr7:100,102,951, plus strand): 5'-TGGCTCCCTGGGCGAGGGGACCATCTCCCGCAATGTGGCTCTGGTATACGAACTCCTGGA[T>G]GAAGTGCTGGTGAGAATCAACAATCCCCTTCTGTGGCCCCTACCCAATTCCCCTGAAGAT-3'
Protein context (NP_004713.2, residues 104-124): RNVALVYELL[Asp114Glu]EVLDYGYVQT